The following is an entry in ClinVar:

NM_001148.6(ANK2):c.8900C>T (p.Pro2967Leu)

Gene: ANK2 (ankyrin 2; plus strand). Cytogenetic location: 4q26.
Variant type: single nucleotide variant.
Coding change: c.8900C>T on transcript NM_001148.6 (MANE Select); coding-DNA position 8900, C replaced by T.
Protein change: p.Pro2967Leu; replaces proline 2967 with leucine.
Molecular consequence: missense variant. On other transcripts: intron variant (68).
Genome position (GRCh38, 1-based): chr4:113,357,518, C>T. VCF-style: chr4-113357518-C-T. GRCh37 (hg19) VCF-style: chr4-114278674-C-T.
Other names: c.8666C>T, p.Pro2889Leu (NM_001386142.1); c.5300C>T, p.Pro1767Leu (NM_001386166.1); c.9041C>T, p.Pro3014Leu (NM_001386174.1); c.9017C>T, p.Pro3006Leu (NM_001386175.1); c.4412-3305C>T (NM_001386186.2, NM_001386148.2); c.4214-3305C>T (NM_001354269.3); c.4292-3305C>T (NM_001386187.2); c.4253-3305C>T (NM_001386147.1); and 35 more; short protein forms P1767L, P2889L, P2967L, P3014L, P3006L.
Identifiers: ClinVar variation 2107680 (VCV002107680.5), dbSNP rs2505905707, ClinGen allele CA357935784.

ClinVar aggregate classification (germline): Uncertain significance. Review status: criteria provided, multiple submitters, no conflicts (2 of 4 stars). 2 submissions from 2 submitters: Uncertain significance (2). Last evaluated 2024-03-04.

Conditions:
Cardiovascular phenotype. Identifiers: MedGen CN230736.
Long QT syndrome (LQTS). Identifiers: MedGen C0023976, MeSH D008133, MONDO:0002442. Disease mechanism: loss of function. Inheritance: Various modes of inheritance.

Submissions (2):

Ambry Genetics
Classification: Uncertain significance for Cardiovascular phenotype. Last evaluated: 2024-03-04. Review status: criteria provided, single submitter. Criteria: Ambry Variant Classification Scheme 2023. Collection method: clinical testing. Allele origin: germline.
Comment: The p.P2967L variant (also known as c.8900C>T), located in coding exon 38 of the ANK2 gene, results from a C to T substitution at nucleotide position 8900. The proline at codon 2967 is replaced by leucine, an amino acid with similar properties. This amino acid position is conserved. In addition, this alteration is predicted to be tolerated by in silico analysis. Based on the available evidence, the clinical significance of this alteration remains unclear.

Labcorp Genetics (formerly Invitae), Labcorp
Classification: Uncertain significance for Long QT syndrome. Last evaluated: 2024-02-28. Review status: criteria provided, single submitter. Criteria: Invitae Variant Classification Sherloc (09022015). Collection method: clinical testing. Allele origin: germline.
Comment: This sequence change replaces proline, which is neutral and non-polar, with leucine, which is neutral and non-polar, at codon 2967 of the ANK2 protein (p.Pro2967Leu). This variant is not present in population databases (gnomAD no frequency). This variant has not been reported in the literature in individuals affected with ANK2-related conditions. ClinVar contains an entry for this variant (Variation ID: 2107680). An algorithm developed to predict the effect of missense changes on protein structure and function (PolyPhen-2) suggests that this variant is likely to be tolerated. In summary, the available evidence is currently insufficient to determine the role of this variant in disease. Therefore, it has been classified as a Variant of Uncertain Significance.